The following is an entry in ClinVar:

ClinVar aggregate classification (germline): Uncertain significance (1 of 4 stars; one submission).

Conditions:
KMT2D-related disorder. Also called: KMT2D-Related Disorders.

Submission:

PreventionGenetics, part of Exact Sciences
Classification: Uncertain significance for KMT2D-related condition. Last evaluated: 2026-01-23. Review status: criteria provided, single submitter. Criteria: ACMG Guidelines, 2015. Collection method: clinical testing. Allele origin: germline.
Comment: The KMT2D c.11350G>A variant is predicted to result in the amino acid substitution p.Gly3784Ser. To our knowledge, this variant has not been reported in the literature or in a large population database (gnomAD), indicating this variant is rare. At this time, the clinical significance of this variant is uncertain due to the absence of conclusive functional and genetic evidence.

NM_003482.4(KMT2D):c.11350G>A (p.Gly3784Ser)

Gene: KMT2D (lysine methyltransferase 2D; minus strand). Cytogenetic location: 12q13.12.
Variant type: single nucleotide variant.
Coding change: c.11350G>A on transcript NM_003482.4 (MANE Select); coding-DNA position 11350, G replaced by A.
Protein change: p.Gly3784Ser; replaces glycine 3784 with serine.
Molecular consequence: missense variant.
Genome position (GRCh38, 1-based): chr12:49,033,355, C>T on the plus strand (G>A on the coding strand, the complement: KMT2D is on the minus strand). VCF-style: chr12-49033355-C-T. GRCh37 (hg19) VCF-style: chr12-49427138-C-T.
Other names: short protein forms G3784S.
Identifiers: ClinVar variation 4995631 (VCV004995631.1).
Genomic context (GRCh38, chr12:49,033,355, plus strand): 5'-GGCCCAGCATGCCCTGGGGCCCCTGGGGTGGTTGAGGGGACAGCTGCTGGACCAGGAGGC[C>T]TTGGTGGCTGCTGGGAGGCATAAGGCCCTGGGGCTTGGGACCCAGAGCTTGGTTTGTCTG-3'
Protein context (NP_003473.3, residues 3774-3794): QGLMPPSSHQ[Gly3784Ser]LLVQQLSPQP